The following is an entry in ClinVar:

ClinVar aggregate classification (germline): Pathogenic (1 of 4 stars; one submission).

Conditions:
Bardet-Biedl syndrome (BBS). Identifiers: Orphanet 110, MedGen C0752166, MONDO:0015229.

Submission:

Labcorp Genetics (formerly Invitae), Labcorp
Classification: Pathogenic for Bardet-Biedl syndrome. Last evaluated: 2023-07-07. Review status: criteria provided, single submitter. Criteria: Invitae Variant Classification Sherloc (09022015). Collection method: clinical testing. Allele origin: unknown.
Comment: This variant has not been reported in the literature in individuals affected with BBS9-related conditions. This variant is a gross deletion of the genomic region encompassing exon(s) 12-14 of the BBS9 gene. This deletion is out-of-frame, and is expected to create a premature termination codon and result in an absent or disrupted protein product. Loss-of-function variants in BBS9 are known to be pathogenic (PMID: 16380913, 20177705). For these reasons, this variant has been classified as Pathogenic.

Literature cited by the submitters: PubMed 16380913; PubMed 20177705.

NC_000007.13:g.(?_33384173)_(33390955_?)del

Gene: BBS9 (Bardet-Biedl syndrome 9; plus strand). Cytogenetic location: 7p14.3.
Variant type: Deletion.
Identifiers: ClinVar variation 3245736 (VCV003245736.1).